The following is an entry in ClinVar:

NM_006122.4(MAN2A2):c.1679G>A (p.Arg560Gln)

Gene: MAN2A2 (mannosidase alpha class 2A member 2; plus strand). Cytogenetic location: 15q26.1.
Variant type: single nucleotide variant.
Coding change: c.1679G>A on transcript NM_006122.4 (MANE Select); coding-DNA position 1679, G replaced by A.
Protein change: p.Arg560Gln; replaces arginine 560 with glutamine.
Molecular consequence: missense variant. On other transcripts: non-coding transcript variant (3).
Genome position (GRCh38, 1-based): chr15:90,910,602, G>A. VCF-style: chr15-90910602-G-A. GRCh37 (hg19) VCF-style: chr15-91453832-G-A.
Other names: c.1679G>A, p.Arg560Gln (NM_001320977.2); short protein forms R560Q.
Identifiers: ClinVar variation 3766448 (VCV003766448.2).

ClinVar aggregate classification (germline): Likely pathogenic (1 of 4 stars; one submission).

Conditions:
Neurodevelopmental delay. Identifiers: MedGen C4022738, HP:0012758.

gnomAD v4.1: 2 of 1,614,166 alleles (0.00012%); highest among the groups gnomAD compares: Middle Eastern, 0.016%; no homozygotes.

Submission:

Oasi Research Institute-IRCCS
Classification: Likely pathogenic for Neurodevelopmental delay. Last evaluated: 2025-02-03. Review status: criteria provided, single submitter. Criteria: ACMG Guidelines, 2015. Collection method: case-control. Allele origin: biparental. Inheritance: Autosomal recessive inheritance. Affected: yes. Observed: 1 compound heterozygote.
Comment: Diverse tools classified the variant as pathogenic: BayesDel addAF (score = 0.4037); BayesDel noAF (score = 0.3421); MetaRNN (score = 0.9059); REVEL (score = 0.843); CADD (score = 31.0); EIGEN (score = 0.9345); EIGEN PC (score = 0.8615); LIST-S2 (score = 0.9899); MutPred (score = 0.733); DANN (score = 0.9995); FATHMM-MKL (score = 0.9902); FATHMM-XF (score = 0.9268); LRT (score = 0); M-CAP (score = 0.4659); Mutation assessor (score = 3.17); MVP (score = 0.9437); SIFT (score = 0); SIFT4G (score = 0); PolyPhen 2 (score = 1); DEOGEN2 (score = 0.7602); MutationTaster (score = 1); Alpha Missense (score = 0.71). ACMG criteria: PM3, PP4, PM2, PP3 = Likely Pathogenic. Mode of Inheritance= AR (based on gene information from Domino). Detected in trans with a truncating pathogenic variant. Conservation Scores phyloP100: 9.772